The following is an entry in ClinVar:

NM_005188.4(CBL):c.1052G>A (p.Gly351Asp)

Gene: CBL (Cbl proto-oncogene; plus strand). Cytogenetic location: 11q23.3.
Variant type: single nucleotide variant.
Coding change: c.1052G>A on transcript NM_005188.4 (MANE Select); coding-DNA position 1052, G replaced by A.
Protein change: p.Gly351Asp; replaces glycine 351 with aspartic acid.
Molecular consequence: missense variant.
Genome position (GRCh38, 1-based): chr11:119,277,801, G>A. VCF-style: chr11-119277801-G-A. GRCh37 (hg19) VCF-style: chr11-119148511-G-A.
Other names: short protein forms G351D.
Identifiers: ClinVar variation 3995974 (VCV003995974.2).
Genomic context (GRCh38, chr11:119,277,801, plus strand): 5'-TGGTTACTCTTTACAGCTATTTGTTTCCTGATGGACGAAATCAGAATCCTGATCTGACTG[G>A]CTTATGTGAACCAACTCCCCAAGACCATATCAAAGTGACCCAGGTGAGTTTTGTTTCACA-3'
Protein context (NP_005179.2, residues 341-361): DGRNQNPDLT[Gly351Asp]LCEPTPQDHI

ClinVar aggregate classification (germline): Uncertain significance. Review status: criteria provided, multiple submitters, no conflicts (2 of 4 stars). 2 submissions from 2 submitters: Uncertain significance (2). Last evaluated 2025-12-03.

Conditions:
RASopathy. Also called: Noonan spectrum disorder; rasopathies. Identifiers: Orphanet 536391, MedGen C5555857, MONDO:0021060.
Cardiovascular phenotype. Identifiers: MedGen CN230736.

Submissions (2):

Labcorp Genetics (formerly Invitae), Labcorp
Classification: Uncertain significance for RASopathy. Last evaluated: 2025-12-03. Review status: criteria provided, single submitter. Criteria: Invitae Variant Classification Sherloc (09022015). Collection method: clinical testing. Allele origin: germline.
Comment: This sequence change replaces glycine, which is neutral and non-polar, with aspartic acid, which is acidic and polar, at codon 351 of the CBL protein (p.Gly351Asp). This variant is not present in population databases (gnomAD no frequency). This variant has not been reported in the literature in individuals affected with CBL-related conditions. ClinVar contains an entry for this variant (Variation ID: 3995974). Invitae Evidence Modeling of protein sequence and biophysical properties (such as structural, functional, and spatial information, amino acid conservation, physicochemical variation, residue mobility, and thermodynamic stability) indicates that this missense variant is not expected to disrupt CBL protein function with a negative predictive value of 95%. In summary, the available evidence is currently insufficient to determine the role of this variant in disease. Therefore, it has been classified as a Variant of Uncertain Significance.

Ambry Genetics
Classification: Uncertain significance for Cardiovascular phenotype. Last evaluated: 2025-03-19. Review status: criteria provided, single submitter. Criteria: Ambry Variant Classification Scheme 2023. Collection method: clinical testing. Allele origin: germline.
Comment: The p.G351D variant (also known as c.1052G>A), located in coding exon 7 of the CBL gene, results from a G to A substitution at nucleotide position 1052. The glycine at codon 351 is replaced by aspartic acid, an amino acid with similar properties. This amino acid position is conserved. In addition, this alteration is predicted to be deleterious by in silico analysis. Based on the available evidence, the clinical significance of this variant remains unclear.